The following is an entry in ClinVar:

ClinVar aggregate classification (germline): Uncertain significance (1 of 4 stars; one submission).

Allele frequency attached by ClinVar (database versions not stated): gnomAD exomes below 0.00001; ExAC 0.00001.
gnomAD v4.1: 5 of 1,611,948 alleles (0.00031%); highest among the groups gnomAD compares: Middle Eastern, 0.017%; no homozygotes.

Submission:

Ambry Genetics
Classification: Uncertain significance. Last evaluated: 2022-01-11. Review status: criteria provided, single submitter. Criteria: Ambry Variant Classification Scheme 2023. Collection method: clinical testing. Allele origin: germline.
Comment: The p.I898V variant (also known as c.2692A>G), located in coding exon 4 of the ALPK2 gene, results from an A to G substitution at nucleotide position 2692. The isoleucine at codon 898 is replaced by valine, an amino acid with highly similar properties. This amino acid position is conserved. In addition, this alteration is predicted to be tolerated by in silico analysis. Since supporting evidence is limited at this time, the clinical significance of this alteration remains unclear.

NM_052947.4(ALPK2):c.2692A>G (p.Ile898Val)

Gene: ALPK2 (alpha kinase 2; minus strand). Cytogenetic location: 18q21.31.
Variant type: single nucleotide variant.
Coding change: c.2692A>G on transcript NM_052947.4 (MANE Select); coding-DNA position 2692, A replaced by G.
Protein change: p.Ile898Val; replaces isoleucine 898 with valine.
Molecular consequence: missense variant.
Genome position (GRCh38, 1-based): chr18:58,537,495, T>C on the plus strand (A>G on the coding strand, the complement: ALPK2 is on the minus strand). VCF-style: chr18-58537495-T-C. GRCh37 (hg19) VCF-style: chr18-56204727-T-C.
Other names: short protein forms I898V.
Identifiers: ClinVar variation 1794817 (VCV001794817.2), dbSNP rs752770812, ClinGen allele CA8977028.